The following is an entry in ClinVar:

ClinVar aggregate classification (germline): Pathogenic. Review status: criteria provided, single submitter (1 of 4 stars). 2 submissions from 2 submitters: Pathogenic (1). 1 of the submissions does not count toward it. Last evaluated 2026-09-08.

Conditions:
Fabry disease. Also called: Ceramide trihexosidosis; Fabry's disease; ALPHA-GALACTOSIDASE A DEFICIENCY; ANDERSON-FABRY DISEASE; CERAMIDE TRIHEXOSIDASE DEFICIENCY; GLA DEFICIENCY. Identifiers: Orphanet 324, MedGen C0002986, MONDO:0010526, OMIM 301500, HP:0001071. Disease mechanism: Fabry disease is due to inactivating mutations in the X-linked GLA gene resulting in deficiency of the enzyme Alpha Galactosidase-A., loss of function.

Submissions (2):

Genomenon, Inc
Classification: Pathogenic for Fabry disease. Last evaluated: 2026-09-08. Review status: criteria provided, single submitter. Criteria: Genomenon Sequence Variant Interpretation Standards - Updated. Collection method: curation. Allele origin: germline. Affected: yes.
Comment: GLA c.370-1G>A is a canonical splice variant affecting the acceptor splice site of intron 2. It is predicted to affect mRNA splicing, leading to a deleterious effect on the GLA protein. This variant has been observed in at least one proband with clinical features consistent with Fabry disease (PMID:9452111). It is absent or not present at a significant frequency in gnomAD. In conclusion, we classify GLA c.370-1G>A as a pathogenic variant.

OMIM
Classification: Pathogenic for FABRY DISEASE. Last evaluated: 1991-09-01. Review status: no assertion criteria provided. Collection method: literature only. Allele origin: germline. Not counted in ClinVar's aggregate classification.

Literature cited by the submitters: PubMed 9452111 (cited by Genomenon, Inc); PubMed 1753437 (cited by OMIM).

NM_000169.3(GLA):c.370-1G>A

Genes: GLA (galactosidase alpha; minus strand), RPL36A-HNRNPH2 (RPL36A-HNRNPH2 readthrough; plus strand). Cytogenetic location: Xq22.1.
Variant type: single nucleotide variant.
Coding change: c.370-1G>A on transcript NM_000169.3 (MANE Select); the canonical splice acceptor site of the intron before coding-DNA position 370, G replaced by A.
Molecular consequence: splice acceptor variant. On other transcripts: intron variant (2).
Genome position (GRCh38, 1-based): chrX:101,401,810, C>T on the plus strand (G>A on the coding strand, the complement: GLA is on the minus strand). VCF-style: chrX-101401810-C-T. GRCh37 (hg19) VCF-style: chrX-100656798-C-T.
Other names: EX4DEL; c.300+6353C>T (NM_001199973.2); c.177+9988C>T (NM_001199974.2); c.493-1G>A (NM_001406747.1, NM_001406749.1); c.370-1G>A (NM_001406748.1).
Identifiers: ClinVar variation 10718 (VCV000010718.2), dbSNP rs869312287, ClinGen allele CA352646.